The following is an entry in ClinVar:

NM_015656.2(KIF26A):c.2161C>T (p.Arg721Cys)

Gene: KIF26A (kinesin family member 26A; plus strand). Cytogenetic location: 14q32.33.
Variant type: single nucleotide variant.
Coding change: c.2161C>T on transcript NM_015656.2 (MANE Select); coding-DNA position 2161, C replaced by T.
Protein change: p.Arg721Cys; replaces arginine 721 with cysteine.
Molecular consequence: missense variant.
Genome position (GRCh38, 1-based): chr14:104,174,278, C>T. VCF-style: chr14-104174278-C-T. GRCh37 (hg19) VCF-style: chr14-104640615-C-T.
Other names: short protein forms R721C.
Identifiers: ClinVar variation 1802640 (VCV001802640.3), dbSNP rs371784932, ClinGen allele CA7370661.

ClinVar aggregate classification (germline): Uncertain significance. Review status: criteria provided, multiple submitters, no conflicts (2 of 4 stars). 3 submissions from 3 submitters: Uncertain significance (2). 1 of the submissions does not count toward it. Last evaluated 2024-06-28.

Conditions:
Cortical dysplasia, complex, with other brain malformations 11 (CDCBM11). Identifiers: MedGen C5774270, MONDO:0859332, OMIM 620156.

Allele frequency attached by ClinVar (database versions not stated): ESP Exome Variant Server 0.00008; TOPMed 0.00015; 1000 Genomes Project 30x 0.00016; 1000 Genomes Project 0.00020; gnomAD exomes 0.00023; ExAC 0.00062.
gnomAD v4.1: 358 of 1,560,296 alleles (0.023%); highest among the groups gnomAD compares: South Asian, 0.18%; 3 homozygotes.

Submissions (3):

Women's Health and Genetics/Laboratory Corporation of America, LabCorp
Classification: Uncertain significance. Last evaluated: 2024-06-28. Review status: criteria provided, single submitter. Criteria: LabCorp Variant Classification Summary - May 2015. Collection method: clinical testing. Allele origin: germline.
Comment: Variant summary: KIF26A c.2161C>T (p.Arg721Cys) results in a non-conservative amino acid change located in the kinesin motor domain (IPR001752) of the encoded protein sequence. Five of five in-silico tools predict a damaging effect of the variant on protein function. The variant allele was found at a frequency of 0.00033 in 177184 control chromosomes, predominantly at a frequency of 0.0016 within the South Asian subpopulation in the gnomAD database, including 1 homozygotes. This frequency is not significantly higher than estimated for a pathogenic variant in KIF26A causing Cortical Dysplasia, Complex, With Other Brain Malformations 11, allowing no conclusion about variant significance. c.2161C>T has been reported in the literature in the compound heterozygous state in at least one individual affected with Cortical Dysplasia, Complex, With Other Brain Malformations 11 (e.g. Qian_2022). These data do not allow any conclusion about variant significance. At least one in vitro study in HEK293 cells shows that this variant results in 50% of normal expression. The following publication have been ascertained in the context of this evaluation (PMID: 36228617). ClinVar contains an entry for this variant (Variation ID: 1802640). Based on the evidence outlined above, the variant was classified as uncertain significance.

Neuberg Centre For Genomic Medicine, NCGM
Classification: Uncertain significance for Cortical dysplasia, complex, with other brain malformations 11. Review status: criteria provided, single submitter. Criteria: ACMG Guidelines, 2015. Collection method: clinical testing. Allele origin: germline. Inheritance: Autosomal recessive inheritance. Affected: yes.
Comment: The missense c.2161C>Tp.Arg721Cys variant in KIF26A gene has been reported previously in compound heterozygous state in an individual affected with complex cortical dysplasia with other brain malformations Qian X, et al., 2022. This variant was also observed to segregate with disease in the family Qian X, et al., 2022. The p.Arg721Cys variant has been reported with allele frequency of 0.03% in gnomAD Exomes and has also been identified in an individual in homozygous state. This variant has been reported to the ClinVar database as Pathogenic. The amino acid change p.Arg721Cys in KIF26A is predicted as conserved by GERP++ and PhyloP across 100 vertebrates. The amino acid Arg at position 721 is changed to a Cys changing protein sequence and it might alter its composition and physico-chemical properties. Because this variant has been reported in one homozygote in gnomAD Exomes and additional functional studies will be required to prove the pathogenicity of this variant, this variant has been classified as a Variant of Uncertain Significance VUS.

OMIM
Classification: Pathogenic for CORTICAL DYSPLASIA, COMPLEX, WITH OTHER BRAIN MALFORMATIONS 11. Last evaluated: 2022-12-08. Review status: no assertion criteria provided. Collection method: literature only. Allele origin: germline. Not counted in ClinVar's aggregate classification.

Literature cited by the submitters: PubMed 36228617 (cited by Women's Health and Genetics/Laboratory Corporation of America, LabCorp and OMIM).